The following is an entry in ClinVar:

ClinVar aggregate classification (germline): Uncertain significance. Review status: criteria provided, multiple submitters, no conflicts (2 of 4 stars). 2 submissions from 2 submitters: Uncertain significance (2). Last evaluated 2024-08-13.

Conditions:
Legius syndrome. Identifiers: Orphanet 137605, MedGen C1969623, MONDO:0012669, OMIM 611431. Disease mechanism: loss of function.

gnomAD v4.1: 8 of 1,613,694 alleles (0.0005%); highest among the groups gnomAD compares: Non-Finnish European, 0.00059%; no homozygotes.

Submissions (2):

Labcorp Genetics (formerly Invitae), Labcorp
Classification: Uncertain significance for Legius syndrome. Last evaluated: 2024-08-13. Review status: criteria provided, single submitter. Criteria: Invitae Variant Classification Sherloc (09022015). Collection method: clinical testing. Allele origin: germline.
Comment: This sequence change replaces arginine, which is basic and polar, with glutamine, which is neutral and polar, at codon 18 of the SPRED1 protein (p.Arg18Gln). This variant is present in population databases (rs758855467, gnomAD 0.0009%). This variant has not been reported in the literature in individuals affected with SPRED1-related conditions. Invitae Evidence Modeling of protein sequence and biophysical properties (such as structural, functional, and spatial information, amino acid conservation, physicochemical variation, residue mobility, and thermodynamic stability) indicates that this missense variant is not expected to disrupt SPRED1 protein function with a negative predictive value of 80%. In summary, the available evidence is currently insufficient to determine the role of this variant in disease. Therefore, it has been classified as a Variant of Uncertain Significance.

Fulgent Genetics
Classification: Uncertain significance for Legius syndrome. Last evaluated: 2024-02-29. Review status: criteria provided, single submitter. Criteria: ACMG Guidelines, 2015. Collection method: clinical testing. Allele origin: germline.

NM_152594.3(SPRED1):c.53G>A (p.Arg18Gln)

Gene: SPRED1 (sprouty related EVH1 domain containing 1; plus strand). Cytogenetic location: 15q14.
Variant type: single nucleotide variant.
Coding change: c.53G>A on transcript NM_152594.3 (MANE Select); coding-DNA position 53, G replaced by A.
Protein change: p.Arg18Gln; replaces arginine 18 with glutamine.
Molecular consequence: missense variant.
Genome position (GRCh38, 1-based): chr15:38,299,393, G>A. VCF-style: chr15-38299393-G-A. GRCh37 (hg19) VCF-style: chr15-38591594-G-A.
Other names: short protein forms R18Q.
Identifiers: ClinVar variation 3577076 (VCV003577076.3).